The following is an entry in ClinVar:

ClinVar aggregate classification (germline): Pathogenic/Likely pathogenic. Review status: criteria provided, multiple submitters, no conflicts (2 of 4 stars). 4 submissions from 4 submitters: Pathogenic (2); Likely pathogenic (1). 1 of the submissions does not count toward it. Last evaluated 2025-11-12.

Conditions:
Cystinosis. Also called: Cystine diathesis; Cystine storage disease; Cystinoses. Identifiers: Orphanet 213, MedGen C4316899, MONDO:0016239.
Ocular cystinosis. Also called: Non-Nephropathic (Ocular) Cystinosis; Non-Nephropathic Cystinosis. Identifiers: Orphanet 213, Orphanet 411641, MedGen C2931013, MONDO:0009064, OMIM 219750.
Juvenile nephropathic cystinosis. Also called: Later-Onset (Juvenile) Cystinosis; Intermediate Cystinosis; CYSTINOSIS, LATE-ONSET JUVENILE OR ADOLESCENT NEPHROPATHIC TYPE. Identifiers: Orphanet 213, Orphanet 411634, MedGen C0268626, MONDO:0009066, OMIM 219900.
Inborn genetic diseases. Identifiers: MedGen C0950123, MeSH D030342.
Nephropathic cystinosis (CTNS). Also called: CYSTINOSIN, DEFECT OF; LYSOSOMAL CYSTINE TRANSPORT PROTEIN, DEFECT OF; Abderhalden Lignac Kaufmann disease; Abderhalden-Kaufmann-Lignac syndrome. Identifiers: Orphanet 213, Orphanet 411629, MedGen C2931187, MONDO:0100151, OMIM 219800.

Submissions (4):

Natera, Inc.
Classification: Likely pathogenic for Cystinosis. Last evaluated: 2025-11-12. Review status: criteria provided, single submitter. Criteria: Natera Variant Classification Schema (03/2026). Collection method: clinical testing. Allele origin: germline.
Comment: The c.225+5_225+6delGTinsCC variant in CTNS is a deletion-insertion (delins) variant predicted to replace one or more nucleotides with a different sequence. This variant is rare in the general population with a frequency below the threshold expected for the associated phenotype(s). This variant has been observed in one or more individuals affected with the associated recessive disease, as either homozygous or compound heterozygous with a second variant (PMID: 11708862, 28629674, 35997069). Functional studies show that this variant may disrupt protein function (PMID: 11708862). Given the available evidence, this variant is classified as Likely Pathogenic.

Fulgent Genetics
Classification: Pathogenic for Ocular cystinosis; Nephropathic cystinosis; Juvenile nephropathic cystinosis. Last evaluated: 2024-01-23. Review status: criteria provided, single submitter. Criteria: ACMG Guidelines, 2015. Collection method: clinical testing. Allele origin: germline.

Labcorp Genetics (formerly Invitae), Labcorp
Classification: Pathogenic for Inborn genetic diseases; Ocular cystinosis; Juvenile nephropathic cystinosis. Last evaluated: 2022-12-21. Review status: criteria provided, single submitter. Criteria: Invitae Variant Classification Sherloc (09022015). Collection method: clinical testing. Allele origin: germline.
Comment: This sequence change falls in intron 5 of the CTNS gene. It does not directly change the encoded amino acid sequence of the CTNS protein. RNA analysis indicates that this variant induces altered splicing and may result in an absent or disrupted protein product. Information on the frequency of this variant in the gnomAD database is not available, as this variant may be reported differently in the database. This variant has been observed in individual(s) with infantile nephropathic cystinosis (PMID: 11708862). This variant is also known as 564+5+6GT→CC. ClinVar contains an entry for this variant (Variation ID: 188893). Variants that disrupt the consensus splice site are a relatively common cause of aberrant splicing (PMID: 17576681, 9536098). Studies have shown that this variant results in skipping of exon 5 and introduces a premature termination codon (PMID: 11708862). The resulting mRNA is expected to undergo nonsense-mediated decay. This variant disrupts the c.225+5 nucleotide in the CTNS gene. Other variant(s) that disrupt this nucleotide have been determined to be pathogenic (PMID: 12442267; Invitae). This suggests that this nucleotide is clinically significant, and that variants that disrupt this position are likely to be disease-causing. For these reasons, this variant has been classified as Pathogenic.

Counsyl
Classification: Likely pathogenic for Cystinosis. Last evaluated: 2014-07-21. Review status: no assertion criteria provided. Collection method: literature only. Allele origin: unknown. Inheritance: Autosomal recessive inheritance. Not counted in ClinVar's aggregate classification.

Literature cited by the submitters: PubMed 11708862 (cited by 3 submitters); PubMed 28629674 (cited by Natera, Inc.); PubMed 35997069 (cited by Natera, Inc.); PubMed 17576681 (cited by Labcorp Genetics (formerly Invitae), Labcorp); PubMed 9536098 (cited by Labcorp Genetics (formerly Invitae), Labcorp); PubMed 12442267 (cited by Labcorp Genetics (formerly Invitae), Labcorp); PubMed 10571941 (cited by Counsyl); PubMed 12644911 (cited by Counsyl).

NM_004937.3(CTNS):c.225+5_225+6delinsCC

Gene: CTNS (cystinosin, lysosomal cystine transporter; plus strand). Cytogenetic location: 17p13.2.
Variant type: Indel.
Coding change: c.225+5_225+6delinsCC on transcript NM_004937.3 (MANE Select); bases 5 to 6 of the intron after coding-DNA position 225, GT replaced by CC.
Molecular consequence: intron variant.
Genome position (GRCh38, 1-based): chr17:3,648,936-3,648,937, GT replaced by CC. VCF-style: chr17-3648936-GT-CC. GRCh37 (hg19) VCF-style: chr17-3552230-GT-CC.
Other names: c.225+5_225+6delinsCC (NM_001031681.3, NM_001374492.1); c.-217+1414_-217+1415delinsCC (NM_001374493.1, NM_001374496.1); c.-216-6062_-216-6061delinsCC (NM_001374495.1); c.-217+5_-217+6delinsCC (NM_001374494.1).
Identifiers: ClinVar variation 188893 (VCV000188893.8), dbSNP rs786204541, ClinGen allele CA278476.